The following is an entry in ClinVar:

NM_032608.7(MYO18B):c.4034C>A (p.Ala1345Glu)

Gene: MYO18B (myosin XVIIIB; plus strand). Cytogenetic location: 22q12.1.
Variant type: single nucleotide variant.
Coding change: c.4034C>A on transcript NM_032608.7 (MANE Select); coding-DNA position 4034, C replaced by A.
Protein change: p.Ala1345Glu; replaces alanine 1345 with glutamic acid.
Molecular consequence: missense variant.
Genome position (GRCh38, 1-based): chr22:25,874,368, C>A. VCF-style: chr22-25874368-C-A. GRCh37 (hg19) VCF-style: chr22-26270335-C-A.
Other names: c.4037C>A, p.Ala1346Glu (NM_001318245.2); short protein forms A1345E, A1346E.
Identifiers: ClinVar variation 2089400 (VCV002089400.4), dbSNP rs373617251, ClinGen allele CA411006780.
Genomic context (GRCh38, chr22:25,874,368, plus strand): 5'-TCTCCAGGCTTGAGAAGCAGCGAGAGAAGCTGGTATCTCAGAGCATCGTTCTCTTCCAGG[C>A]GGCTTGCAAGGGCTTTCTGTCTCGCCAGGAATTCAAGAAGCTGAAGGTACTGCATGCCGT-3'
Protein context (NP_115997.5, residues 1335-1355): LVSQSIVLFQ[Ala1345Glu]ACKGFLSRQE

ClinVar aggregate classification (germline): Uncertain significance (1 of 4 stars; one submission).

gnomAD v4.1: 5 of 1,613,966 alleles (0.00031%); highest among the groups gnomAD compares: East Asian, 0.0022%; no homozygotes.

Submission:

Labcorp Genetics (formerly Invitae), Labcorp
Classification: Uncertain significance. Last evaluated: 2021-11-29. Review status: criteria provided, single submitter. Criteria: Invitae Variant Classification Sherloc (09022015). Collection method: clinical testing. Allele origin: germline.
Comment: This sequence change replaces alanine, which is neutral and non-polar, with glutamic acid, which is acidic and polar, at codon 1345 of the MYO18B protein (p.Ala1345Glu). In summary, the available evidence is currently insufficient to determine the role of this variant in disease. Therefore, it has been classified as a Variant of Uncertain Significance. Algorithms developed to predict the effect of missense changes on protein structure and function are either unavailable or do not agree on the potential impact of this missense change (SIFT: "Not Available"; PolyPhen-2: "Probably Damaging"; Align-GVGD: "Not Available"). This variant has not been reported in the literature in individuals affected with MYO18B-related conditions. This variant is present in population databases (no rsID available, gnomAD 0.003%).